The following is an entry in ClinVar:

NM_023110.3(FGFR1):c.*1026T>C

Genes: FGFR1 (fibroblast growth factor receptor 1; minus strand), LOC102723716 (uncharacterized LOC102723716; minus strand). Cytogenetic location: 8p11.23.
Variant type: single nucleotide variant.
Coding change: c.*1026T>C on transcript NM_023110.3 (MANE Select); 1026 bases downstream of the stop codon, T replaced by C.
Molecular consequence: 3 prime UTR variant. On other transcripts: intron variant (3).
Genome position (GRCh38, 1-based): chr8:38,412,602, A>G on the plus strand (T>C on the coding strand, the complement: FGFR1 is on the minus strand). VCF-style: chr8-38412602-A-G. GRCh37 (hg19) VCF-style: chr8-38270120-A-G.
Other names: c.*1026T>C (NM_001174063.2, NM_001174064.2, NM_001174065.2 and 6 more transcripts); c.2020-7T>C (NM_001354370.2); c.2287-7T>C (NM_001354367.2); c.2281-7T>C (NM_001354369.2).
Identifiers: ClinVar variation 362874 (VCV000362874.30), dbSNP rs542417198, ClinGen allele CA10630954.

ClinVar aggregate classification (germline): Conflicting classifications of pathogenicity. Review status: criteria provided, conflicting classifications (1 of 4 stars). 6 submissions from 3 submitters: Uncertain significance (4); Likely benign (2). Last evaluated 2026-09-01.

Conditions:
Hypogonadotropic hypogonadism 2 with or without anosmia (HH2). Also called: HYPOGONADOTROPIC HYPOGONADISM 2 WITHOUT ANOSMIA; HYPOGONADOTROPIC HYPOGONADISM 2 WITH OR WITHOUT ANOSMIA, SUSCEPTIBILITY TO; HYPOGONADOTROPIC HYPOGONADISM 2 WITHOUT ANOSMIA, SUSCEPTIBILITY TO; FGFR1-Related GnRH Deficiency (Kallmann Syndrome 2). Identifiers: Orphanet 478, MedGen C1563720, MONDO:0007844, OMIM 147950. Disease mechanism: loss of function.
Osteoglophonic dysplasia (OGD). Also called: Osteoglophonic dwarfism. Identifiers: Orphanet 2645, MedGen C0432283, MONDO:0008150, OMIM 166250.
Trigonocephaly 1 (TRIGNO1). Identifiers: Orphanet 3366, MedGen C0432122, MONDO:0008603, OMIM 190440.
Craniosynostosis syndrome. Also called: Craniosynostosis. Identifiers: Orphanet 1531, MedGen C0010278, MeSH D003398, MONDO:0015469, HP:0001363.

Allele frequency attached by ClinVar (database versions not stated): 1000 Genomes Project 0.00020; TOPMed 0.00185; gnomAD 0.00207 and 0.00214; gnomAD exomes 0.00212.
gnomAD v4.1: 478 of 233,564 alleles (0.2%); highest among the groups gnomAD compares: Non-Finnish European, 0.34%; 1 homozygote.

Submissions (6):

CeGaT Center for Human Genetics Tuebingen
Classification: Likely benign. Last evaluated: 2026-09-01. Review status: criteria provided, single submitter. Criteria: CeGaT Center For Human Genetics Tuebingen Variant Classification Criteria Version 2. Collection method: clinical testing. Allele origin: germline. Affected: yes. Observed: 20 variant alleles.
Comment: FGFR1: BP4, BS1

Laboratory of Genetics, Children's Clinical University Hospital Latvia
Classification: Likely benign. Last evaluated: 2025-02-16. Review status: criteria provided, single submitter. Criteria: ACMG Guidelines, 2015. Collection method: clinical testing. Allele origin: germline. Affected: yes.

Illumina Laboratory Services, Illumina
Classification: Uncertain significance for Hypogonadotropic hypogonadism 2 with or without anosmia. Last evaluated: 2018-01-13. Review status: criteria provided, single submitter. Criteria: ICSL Variant Classification Criteria 13 December 2019. Collection method: clinical testing. Allele origin: germline.

Illumina Laboratory Services, Illumina
Classification: Uncertain significance for Trigonocephaly 1. Last evaluated: 2018-01-13. Review status: criteria provided, single submitter. Criteria: ICSL Variant Classification Criteria 13 December 2019. Collection method: clinical testing. Allele origin: germline.

Illumina Laboratory Services, Illumina
Classification: Uncertain significance for Osteoglophonic dysplasia. Last evaluated: 2018-01-13. Review status: criteria provided, single submitter. Criteria: ICSL Variant Classification Criteria 13 December 2019. Collection method: clinical testing. Allele origin: germline.

Illumina Laboratory Services, Illumina
Classification: Uncertain significance for Craniosynostosis. Last evaluated: 2018-01-13. Review status: criteria provided, single submitter. Criteria: ICSL Variant Classification Criteria 13 December 2019. Collection method: clinical testing. Allele origin: germline.